The following is an entry in ClinVar:

ClinVar aggregate classification (germline): Likely benign (1 of 4 stars; one submission).

Allele frequency attached by ClinVar (database versions not stated): 1000 Genomes Project 30x 0.00047; gnomAD exomes 0.00051; 1000 Genomes Project 0.00060; gnomAD 0.00064; TOPMed 0.00083.
gnomAD v4.1: 411 of 716,406 alleles (0.057%); highest among the groups gnomAD compares: Middle Eastern, 0.14%; 1 homozygote.

Submission:

CeGaT Center for Human Genetics Tuebingen
Classification: Likely benign. Last evaluated: 2022-08-01. Review status: criteria provided, single submitter. Criteria: CeGaT Center For Human Genetics Tuebingen Variant Classification Criteria Version 2. Collection method: clinical testing. Allele origin: germline. Affected: yes. Observed: 1 variant allele.
Comment: STRA8: BP4, BP7

NM_001394401.1(STRA8):c.525G>A (p.Glu175=)

Gene: STRA8 (stimulated by retinoic acid 8; plus strand). Cytogenetic location: 7q33.
Variant type: single nucleotide variant.
Coding change: c.525G>A on transcript NM_001394401.1 (MANE Select); coding-DNA position 525, G replaced by A.
Protein change: p.Glu175=; no amino-acid change (glutamic acid 175 retained).
Molecular consequence: synonymous variant. On other transcripts: intron variant (1).
Genome position (GRCh38, 1-based): chr7:135,245,459, G>A. VCF-style: chr7-135245459-G-A. GRCh37 (hg19) VCF-style: chr7-134930211-G-A.
Other names: c.380+130G>A (NM_182489.3).
Identifiers: ClinVar variation 2658006 (VCV002658006.24), dbSNP rs189150814, ClinGen allele CA167054806.
Genomic context (GRCh38, chr7:135,245,459, plus strand): 5'-AGAGGAGGAGGAAGAAGAAGAGGAGGAGGAGGAAGAGGAGGAAGAGGAAGAGGAGGAGGA[G>A]GAAGAGGAGAAAAAAGTGATCTTATACTCCCCAGGAACTTTGTCGCCTGACCTCATGGAA-3'
Protein context (NP_001381330.1, residues 165-185): EEEEEEEEEE[Glu175=]EEEKKVILYS